The following is an entry in ClinVar:

NM_000075.4(CDK4):c.122A>G (p.Asn41Ser)

Genes: CDK4 (cyclin dependent kinase 4; minus strand), LOC130008148 (ATAC-STARR-seq lymphoblastoid silent region 4588; plus strand). Cytogenetic location: 12q14.1.
Variant type: single nucleotide variant.
Coding change: c.122A>G on transcript NM_000075.4 (MANE Select); coding-DNA position 122, A replaced by G.
Protein change: p.Asn41Ser; replaces asparagine 41 with serine.
Molecular consequence: missense variant.
Genome position (GRCh38, 1-based): chr12:57,751,596, T>C on the plus strand (A>G on the coding strand, the complement: CDK4 is on the minus strand). VCF-style: chr12-57751596-T-C. GRCh37 (hg19) VCF-style: chr12-58145379-T-C.
Other names: c.122A>G (LRG_490t1); short protein forms N41S.
Identifiers: ClinVar variation 135822 (VCV000135822.50), dbSNP rs144890720, ClinGen allele CA332390.

ClinVar aggregate classification (germline): Conflicting classifications of pathogenicity. Review status: criteria provided, conflicting classifications (1 of 4 stars). 17 submissions from 17 submitters: Uncertain significance (8); Benign (2); Likely benign (5). 2 of the submissions do not count toward it. Last evaluated 2026-02-03.

Conditions:
CDK4-related disorder. Also called: CDK4-related condition.
Familial melanoma. Also called: Hereditary cutaneous melanoma; Hereditary melanoma. Identifiers: Orphanet 618, MedGen C1512419, MONDO:0018961.
Hereditary cancer-predisposing syndrome. Also called: Tumor predisposition; Hereditary neoplastic syndrome; Neoplastic Syndromes, Hereditary; Hereditary Cancer Syndrome. Identifiers: Orphanet 140162, MedGen C0027672, MeSH D009386, MONDO:0015356.
Melanoma, cutaneous malignant, susceptibility to, 3. Also called: Cutaneous malignant melanoma 3. Identifiers: Orphanet 618, MedGen C1836892, MONDO:0012183, OMIM 609048.

Allele frequency attached by ClinVar (database versions not stated): gnomAD exomes 0.00011 and 0.00025; gnomAD 0.00013 and 0.00015; ExAC 0.00016; TOPMed 0.00020; ESP Exome Variant Server 0.00038.

Submissions (17):

Labcorp Genetics (formerly Invitae), Labcorp
Classification: Likely benign for Familial melanoma. Last evaluated: 2026-02-03. Review status: criteria provided, single submitter. Criteria: Invitae Variant Classification Sherloc (09022015). Collection method: clinical testing. Allele origin: germline.

Center for Genomic Medicine, Rigshospitalet, Copenhagen University Hospital
Classification: Uncertain significance. Last evaluated: 2025-12-29. Review status: criteria provided, single submitter. Criteria: ACMG Guidelines, 2015. Collection method: clinical testing. Allele origin: germline.

GeneDx
Classification: Uncertain significance. Last evaluated: 2025-03-19. Review status: criteria provided, single submitter. Criteria: GeneDx Variant Classification Process June 2021. Collection method: clinical testing. Allele origin: germline. Affected: yes.
Comment: Observed in individuals with a personal or family history of melanoma, breast, or other cancers (PMID: 9311594, 25186627, 25980754, 29641532); Published functional studies are inconclusive: does not disrupt CDK4 binding to CDKN2C or affect interaction with p16, cyclin D2, SEI-1 RM 29 or other CDK4 partner proteins; however, it may negatively impact binding with I-kappaB-alpha, an inhibitor of nuclear factor-kappaB (PMID: 14621993, 19888216, 25416956); In silico analysis indicates that this missense variant does not alter protein structure/function; This variant is associated with the following publications: (PMID: 12358822, 28575754, 25186627, 29641532, 29124743, 11828258, 19888216, 28135145, 9311594, 14621993, 12731669, 25980754, 16201750, 25416956, 26252490, 19139070, 24162924, 32980694, 34426522, Tabar2022[article], 35113472, 31570899, 36243179)

Dasa
Classification: Uncertain significance. Last evaluated: 2025-03-12. Review status: criteria provided, single submitter. Criteria: DASA Assertion Criteria. Collection method: clinical testing. Allele origin: germline.
Comment: NM_000075.4(CDK4):c.122A>G (p.Asn41Ser) is a missense variant that results in the substitution of asparagine with serine. This variant is rare in population databases. Computational prediction algorithms are consistent with a benign effect. The currently available literature and clinical evidence are not sufficient to establish a definitive association between this variant and the reported condition. Therefore, this variant is classified as a variant of uncertain significance.

Blueprint Genetics
Classification: Likely benign. Last evaluated: 2024-10-25. Review status: criteria provided, single submitter. Criteria: ACMG Guidelines, 2015. Collection method: clinical testing. Allele origin: germline.

Department of Pathology and Laboratory Medicine, Sinai Health System
Classification: Uncertain significance for Melanoma, cutaneous malignant, susceptibility to, 3. Last evaluated: 2023-11-24. Review status: criteria provided, single submitter. Criteria: ACMG Guidelines, 2015. Collection method: clinical testing. Allele origin: germline. Affected: yes.

ARUP Laboratories, Molecular Genetics and Genomics, ARUP Laboratories
Classification: Uncertain significance for Melanoma, cutaneous malignant, susceptibility to, 3. Last evaluated: 2023-11-07. Review status: criteria provided, single submitter. Criteria: ARUP Molecular Germline Variant Investigation Process 2024. Collection method: clinical testing. Allele origin: germline.
Comment: The CDK4 c.122A>G; p.Asn41Ser variant (rs144890720) is reported in the literature in individuals affected with melanoma, colorectal and breast cancer but without clear disease association (Guldberg 1997, Pritchard 2018, Tung 2015, Yurgelun 2017). This variant has also been reported with a known pathogenic mutation in another gene (Beaubier 2019). This variant is also reported in ClinVar (Variation ID: 135822) and is found in the general population with an overall allele frequency of 0.01% (32/282802 alleles) in the Genome Aggregation Database. Computational analyses predict that this variant is neutral (REVEL: 0.113) and functional analyses of the variant protein show similar protein interactions compared to wild-type but suggest that the affinity between I-kappaB-alpha may be increased which negatively effects binding (Li 2003, Li 2005). While the functional analyses suggest a benign role, due to limited clinical information, the significance of this variant is uncertain at this time. References: Beaubier N et al. Integrated genomic profiling expands clinical options for patients with cancer. Nat Biotechnol. 2019 Nov;37(11):1351-1360. PMID: 31570899. Guldberg P et al. Complete scanning of the CDK4 gene by denaturing gradient gel electrophoresis: a novel missense mutation but low overall frequency of mutations in sporadic metastatic malignant melanoma. Int J Cancer. 1997 Sep 4;72(5):780-3. PMID: 9311594. Li J et al. An NF-kappaB-specific inhibitor, IkappaBalpha, binds to and inhibits cyclin-dependent kinase 4. Biochemistry. 2003 Nov 25;42(46):13476-83. PMID: 14621993. Li J et al. Dissection of CDK4-binding and transactivation activities of p34(SEI-1) and comparison between functions of p34(SEI-1) and p16(INK4A). Biochemistry. 2005 Oct 11;44(40):13246-56. PMID: 16201750. Pritchard AL et al. Germline mutations in candidate predisposition genes in individuals with cutaneous melanoma and at least two independent additional primary cancers. PLoS One. 2018 Apr 11;13(4):e0194098. PMID: 29641532. Tung N et al. Frequency of mutations in individuals with breast cancer referred for BRCA1 and BRCA2 testing using next-generation sequencing with a 25-gene panel. Cancer. 2015 Jan 1;121(1):25-33. PMID: 25186627. Yurgelun MB et al. Cancer Susceptibility Gene Mutations in Individuals With Colorectal Cancer. J Clin Oncol. 2017 Apr 1;35(10):1086-1095. PMID: 28135145.

Women's Health and Genetics/Laboratory Corporation of America, LabCorp
Classification: Likely benign. Last evaluated: 2023-04-10. Review status: criteria provided, single submitter. Criteria: LabCorp Variant Classification Summary - May 2015. Collection method: clinical testing. Allele origin: germline.
Comment: Variant summary: CDK4 c.122A>G (p.Asn41Ser) results in a conservative amino acid change located in the Protein kinase domain (IPR000719) of the encoded protein sequence. Four of five in-silico tools predict a benign effect of the variant on protein function. The variant allele was found at a frequency of 0.00011 in 251484 control chromosomes (gnomAD). The observed variant frequency is approximately 5-fold of the estimated maximal expected allele frequency for a pathogenic variant in CDK4 causing Cutaneous Malignant Melanoma phenotype (2e-05), strongly suggesting that the variant is benign. c.122A>G has been reported in the literature in individuals affected with Cutaneous Malignant Melanoma, Lynch syndrome and breast cancer (e.g. Guldberg_1997, Tung_2015, Yurgelun_2015, Pritchard_2018). These reports do not provide unequivocal conclusions about association of the variant with Cutaneous Malignant Melanoma. A co-occurrence with a pathogenic variant has been reported (SDHB c.268C>T, p.R90X; Beaubier_2019). Experimental evidence evaluating an impact on protein function demonstrated the variant does not affect interaction with p16, the RM29 mutant of SEI-1, cyclin D2 and other INK4 proteins but may contribute negatively to I-kappaB-alpha binding (Li_2003, Li_2005). Nine submitters have provided clinical-significance assessments for this variant to ClinVar after 2014, and classified it as uncertain significance (n=4) or benign/likely benign (n=6). Based on the evidence outlined above, the variant was classified as likely benign.

Myriad Genetics, Inc.
Classification: Uncertain significance for Melanoma, cutaneous malignant, susceptibility to, 3. Last evaluated: 2023-03-07. Review status: criteria provided, single submitter. Criteria: Myriad Autosomal Dominant, Autosomal Recessive and X-Linked Classification Criteria (2023). Collection method: clinical testing. Allele origin: unknown.
Comment: This variant is classified as a variant of uncertain significance as there is insufficient evidence to determine its impact on protein function and/or cancer risk.

Quest Diagnostics Nichols Institute San Juan Capistrano
Classification: Likely benign. Last evaluated: 2022-12-03. Review status: criteria provided, single submitter. Criteria: Quest Diagnostics criteria. Collection method: clinical testing. Allele origin: unknown.

Institute for Clinical Genetics, University Hospital TU Dresden, University Hospital TU Dresden
Classification: Uncertain significance. Last evaluated: 2021-11-03. Review status: criteria provided, single submitter. Criteria: ACMG Guidelines, 2015. Collection method: clinical testing. Allele origin: germline.

Genetic Services Laboratory, University of Chicago
Classification: Uncertain significance. Last evaluated: 2019-11-01. Review status: criteria provided, single submitter. Criteria: ACMG Guidelines, 2015. Collection method: clinical testing. Allele origin: germline. Affected: no.

Mendelics
Classification: Benign for Melanoma, cutaneous malignant, susceptibility to, 3. Last evaluated: 2019-05-28. Review status: criteria provided, single submitter. Criteria: Mendelics Assertion Criteria 2017. Collection method: clinical testing. Allele origin: unknown.

Ambry Genetics
Classification: Likely benign for Hereditary cancer-predisposing syndrome. Last evaluated: 2018-08-08. Review status: criteria provided, single submitter. Criteria: Ambry Variant Classification Scheme 2023. Collection method: clinical testing. Allele origin: germline.

Illumina Laboratory Services, Illumina
Classification: Benign for Melanoma, cutaneous malignant, susceptibility to, 3. Last evaluated: 2017-04-28. Review status: criteria provided, single submitter. Criteria: ICSL Variant Classification Criteria 13 December 2019. Collection method: clinical testing. Allele origin: germline.
Comment: This variant was observed as part of a predisposition screen in an ostensibly healthy population. A literature search was performed for the gene, cDNA change, and amino acid change (where applicable). Publications were found based on this search. The evidence from the literature, in combination with allele frequency data from public databases where available, was sufficient to rule this variant out of causing disease. Therefore, this variant is classified as benign.

PreventionGenetics, part of Exact Sciences
Classification: Likely benign for CDK4-related condition. Last evaluated: 2023-03-18. Review status: no assertion criteria provided. Collection method: clinical testing. Allele origin: germline. Not counted in ClinVar's aggregate classification.
Comment: This variant is classified as likely benign based on ACMG/AMP sequence variant interpretation guidelines (Richards et al. 2015 PMID: 25741868, with internal and published modifications).

Counsyl
Classification: Uncertain significance for Melanoma, cutaneous malignant, susceptibility to, 3. Last evaluated: 2017-12-11. Review status: no assertion criteria provided. Collection method: clinical testing. Allele origin: unknown. Not counted in ClinVar's aggregate classification.

Literature cited by the submitters: PubMed 9311594 (cited by 6 submitters); PubMed 25186627 (cited by 3 submitters); PubMed 25980754 (cited by 5 submitters); PubMed 29641532 (cited by 3 submitters); PubMed 14621993 (cited by 6 submitters); PubMed 16201750 (cited by 5 submitters); PubMed 24162924 (cited by 3 submitters); PubMed 31570899 (cited by Women's Health and Genetics/Laboratory Corporation of America, LabCorp); PubMed 28135145 (cited by Quest Diagnostics Nichols Institute San Juan Capistrano); PubMed 19888216 (cited by Quest Diagnostics Nichols Institute San Juan Capistrano and Ambry Genetics); PubMed 19139070 (cited by Counsyl); PubMed 26252490 (cited by Counsyl).